The following is an entry in ClinVar:

NM_001394062.1(MACF1):c.16637G>T (p.Cys5546Phe)

Gene: MACF1 (microtubule actin crosslinking factor 1; plus strand). Cytogenetic location: 1p34.3.
Variant type: single nucleotide variant.
Coding change: c.16637G>T on transcript NM_001394062.1 (MANE Select); coding-DNA position 16637, G replaced by T.
Protein change: p.Cys5546Phe; replaces cysteine 5546 with phenylalanine.
Molecular consequence: missense variant. On other transcripts: intron variant (1).
Genome position (GRCh38, 1-based): chr1:39,428,121, G>T. VCF-style: chr1-39428121-G-T. GRCh37 (hg19) VCF-style: chr1-39893793-G-T.
Other names: c.10451G>T, p.Cys3484Phe (NM_012090.5); c.4872+507G>T (NM_001397473.1); short protein forms C3484F, C5546F.
Identifiers: ClinVar variation 2405221 (VCV002405221.8), dbSNP rs575642095, ClinGen allele CA783399.

ClinVar aggregate classification (germline): Likely benign. Review status: criteria provided, multiple submitters, no conflicts (2 of 4 stars). 5 submissions from 5 submitters: Likely benign (5). Last evaluated 2026-09-01.

Conditions:
MACF1-related disorder. Also called: MACF1-related condition.
Inborn genetic diseases. Identifiers: MedGen C0950123, MeSH D030342.

Allele frequency attached by ClinVar (database versions not stated): TOPMed 0.00002; gnomAD 0.00007; 1000 Genomes Project 30x 0.00031; 1000 Genomes Project 0.00040.
gnomAD v4.1: 146 of 1,614,200 alleles (0.009%); highest among the groups gnomAD compares: South Asian, 0.13%; no homozygotes.

Submissions (5):

CeGaT Center for Human Genetics Tuebingen
Classification: Likely benign. Last evaluated: 2026-09-01. Review status: criteria provided, single submitter. Criteria: CeGaT Center For Human Genetics Tuebingen Variant Classification Criteria Version 2. Collection method: clinical testing. Allele origin: germline. Affected: yes. Observed: 2 variant alleles.
Comment: MACF1: BP4, BS2

PreventionGenetics, part of Exact Sciences
Classification: Likely benign for MACF1-related condition. Last evaluated: 2024-11-26. Review status: criteria provided, single submitter. Criteria: ACMG Guidelines, 2015. Collection method: clinical testing. Allele origin: germline.
Comment: This variant is classified as likely benign based on ACMG/AMP sequence variant interpretation guidelines (Richards et al. 2015 PMID: 25741868, with internal and published modifications).

Blueprint Genetics
Classification: Likely benign. Last evaluated: 2024-10-02. Review status: criteria provided, single submitter. Criteria: ACMG Guidelines, 2015. Collection method: clinical testing. Allele origin: germline.

Labcorp Genetics (formerly Invitae), Labcorp
Classification: Likely benign. Last evaluated: 2023-11-21. Review status: criteria provided, single submitter. Criteria: Invitae Variant Classification Sherloc (09022015). Collection method: clinical testing. Allele origin: germline.

Ambry Genetics
Classification: Likely benign for Inborn genetic diseases. Last evaluated: 2022-02-11. Review status: criteria provided, single submitter. Criteria: Ambry Variant Classification Scheme 2023. Collection method: clinical testing. Allele origin: germline.